The following is an entry in ClinVar:

NM_001377142.1(PLCB4):c.2997-6T>C

Gene: PLCB4 (phospholipase C beta 4; plus strand). Cytogenetic location: 20p12.2.
Variant type: single nucleotide variant.
Coding change: c.2997-6T>C on transcript NM_001377142.1 (MANE Select); 6 bases into the intron before coding-DNA position 2997, T replaced by C.
Molecular consequence: intron variant.
Genome position (GRCh38, 1-based): chr20:9,457,408, T>C. VCF-style: chr20-9457408-T-C. GRCh37 (hg19) VCF-style: chr20-9438055-T-C.
Other names: c.2961-6T>C (NM_001377134.2, NM_000933.4, NM_182797.3 and 2 more transcripts); c.2997-6T>C (NM_001377143.1, NM_001172646.2).
Identifiers: ClinVar variation 339587 (VCV000339587.9), dbSNP rs117123647, ClinGen allele CA9761572.

ClinVar aggregate classification (germline): Benign. Review status: criteria provided, multiple submitters, no conflicts (2 of 4 stars). 2 submissions from 2 submitters: Benign (2). Last evaluated 2025-04-23.

Conditions:
Auriculocondylar syndrome 2 (ARCND2A). Also called: AURICULOCONDYLAR SYNDROME 2A. Identifiers: Orphanet 137888, MedGen C3553404, MONDO:0013845, OMIM 614669.

Allele frequency attached by ClinVar (database versions not stated): 1000 Genomes Project 30x 0.00062; 1000 Genomes Project 0.00080; ExAC 0.00111; TOPMed 0.00111; ESP Exome Variant Server 0.00115; gnomAD exomes 0.00123 and 0.00183; gnomAD 0.00124 and 0.00130.
gnomAD v4.1: 2,499 of 1,440,574 alleles (0.17%); highest among the groups gnomAD compares: Non-Finnish European, 0.22%; 2 homozygotes.

Submissions (2):

Labcorp Genetics (formerly Invitae), Labcorp
Classification: Benign. Last evaluated: 2025-04-23. Review status: criteria provided, single submitter. Criteria: Invitae Variant Classification Sherloc (09022015). Collection method: clinical testing. Allele origin: germline.

Illumina Laboratory Services, Illumina
Classification: Benign for Auriculocondylar syndrome 2. Last evaluated: 2018-01-13. Review status: criteria provided, single submitter. Criteria: ICSL Variant Classification Criteria 13 December 2019. Collection method: clinical testing. Allele origin: germline.
Comment: This variant was observed in the ICSL laboratory as part of a predisposition screen in an ostensibly healthy population. It had not been previously curated by ICSL or reported in the Human Gene Mutation Database (HGMD: prior to June 1st, 2018), and was therefore a candidate for classification through an automated scoring system. Utilizing variant allele frequency, disease prevalence and penetrance estimates, and inheritance mode, an automated score was calculated to assess if this variant is too frequent to cause the disease. Based on the score and internal cut-off values, a variant classified as benign is not then subjected to further curation. The score for this variant resulted in a classification of benign for this disease.